The following is an entry in ClinVar:

NM_006796.3(AFG3L2):c.1847A>G (p.Tyr616Cys)

Gene: AFG3L2 (AFG3 like matrix AAA peptidase subunit 2; minus strand). Cytogenetic location: 18p11.21.
Variant type: single nucleotide variant.
Coding change: c.1847A>G on transcript NM_006796.3 (MANE Select); coding-DNA position 1847, A replaced by G.
Protein change: p.Tyr616Cys; replaces tyrosine 616 with cysteine.
Molecular consequence: missense variant.
Genome position (GRCh38, 1-based): chr18:12,340,334, T>C on the plus strand (A>G on the coding strand, the complement: AFG3L2 is on the minus strand). VCF-style: chr18-12340334-T-C. GRCh37 (hg19) VCF-style: chr18-12340333-T-C.
Other names: short protein forms Y616C.
Identifiers: ClinVar variation 30427 (VCV000030427.60), dbSNP rs387906889, ClinGen allele CA129200.

ClinVar aggregate classification (germline): Pathogenic/Likely pathogenic. Review status: criteria provided, multiple submitters, no conflicts (2 of 4 stars). 6 submissions from 6 submitters: Pathogenic (4); Likely pathogenic (1). 1 of the submissions does not count toward it. Last evaluated 2025-11-13.

Conditions:
AFG3L2-related disorder. Also called: AFG3L2-related condition.
Spastic ataxia 5. Also called: Spastic Ataxia Type 5 (SPAX5). Identifiers: Orphanet 313772, MedGen C3280977, MONDO:0013776, OMIM 614487.

Allele frequency attached by ClinVar (database versions not stated): ExAC 0.00001; gnomAD exomes 0.00001.
gnomAD v4.1: 28 of 1,614,140 alleles (0.0017%); highest among the groups gnomAD compares: Non-Finnish European, 0.0023%; no homozygotes.

Submissions (6):

GeneDx
Classification: Pathogenic. Last evaluated: 2025-11-13. Review status: criteria provided, single submitter. Criteria: GeneDx Variant Classification Process June 2021. Collection method: clinical testing. Allele origin: germline. Affected: yes.
Comment: Published functional studies demonstrate this variant retains ATPase and proteolytic activities but exhibits impaired oligomerization with both the AFG3L2 protein and paraplegin, suggesting that the Y616C variant may represent a hypomorphic allele (PMID: 22022284); Not observed at significant frequency in large population cohorts (gnomAD); In silico analysis supports that this missense variant has a deleterious effect on protein structure/function; This variant is associated with the following publications: (PMID: 23777634, 21595125, 23041622, 22593763, 26539208, 22290570, 30910913, 31111429, 28806058, 22228787, 34918652, 22022284)

Labcorp Genetics (formerly Invitae), Labcorp
Classification: Pathogenic. Last evaluated: 2024-05-15. Review status: criteria provided, single submitter. Criteria: Invitae Variant Classification Sherloc (09022015). Collection method: clinical testing. Allele origin: germline.
Comment: This sequence change replaces tyrosine, which is neutral and polar, with cysteine, which is neutral and slightly polar, at codon 616 of the AFG3L2 protein (p.Tyr616Cys). This variant is present in population databases (rs387906889, gnomAD 0.0009%). This missense change has been observed in individual(s) with autosomal recessive spinocerebellar ataxia (PMID: 22022284, 31111429). In at least one individual the data is consistent with being in trans (on the opposite chromosome) from a pathogenic variant. It has also been observed to segregate with disease in related individuals. ClinVar contains an entry for this variant (Variation ID: 30427). Advanced modeling of protein sequence and biophysical properties (such as structural, functional, and spatial information, amino acid conservation, physicochemical variation, residue mobility, and thermodynamic stability) has been performed at Invitae for this missense variant, however the output from this modeling did not meet the statistical confidence thresholds required to predict the impact of this variant on AFG3L2 protein function. Experimental studies have shown that this missense change affects AFG3L2 function (PMID: 22022284). For these reasons, this variant has been classified as Pathogenic.

Neurometabolic Diseases Laboratory, Bellvitge Biomedical Research Institute (IDIBELL)
Classification: Pathogenic for Spastic ataxia 5. Last evaluated: 2023-04-27. Review status: criteria provided, single submitter. Criteria: ACMG Guidelines, 2015. Collection method: research. Allele origin: germline. Affected: yes.

CeGaT Center for Human Genetics Tuebingen
Classification: Pathogenic. Last evaluated: 2022-09-01. Review status: criteria provided, single submitter. Criteria: CeGaT Center For Human Genetics Tuebingen Variant Classification Criteria Version 2. Collection method: clinical testing. Allele origin: germline. Affected: yes. Observed: 1 variant allele.
Comment: AFG3L2: PP1:Strong, PM2, PM3, PP3, PS3:Supporting

Blueprint Genetics
Classification: Likely pathogenic for AFG3L2-related disorders. Last evaluated: 2019-10-15. Review status: criteria provided, single submitter. Criteria: ACMG Guidelines, 2015. Collection method: clinical testing. Allele origin: germline. Affected: yes. Observed: 1 variant allele.

OMIM
Classification: Pathogenic for SPASTIC ATAXIA 5, AUTOSOMAL RECESSIVE. Last evaluated: 2011-10-01. Review status: no assertion criteria provided. Collection method: literature only. Allele origin: germline. Not counted in ClinVar's aggregate classification.

Literature cited by the submitters: PubMed 22022284 (cited by Labcorp Genetics (formerly Invitae), Labcorp and OMIM); PubMed 31111429 (cited by Labcorp Genetics (formerly Invitae), Labcorp).